The following is an entry in ClinVar:

NM_014236.4(GNPAT):c.439-1G>A

Gene: GNPAT (glyceronephosphate O-acyltransferase; plus strand). Cytogenetic location: 1q42.2.
Variant type: single nucleotide variant.
Coding change: c.439-1G>A on transcript NM_014236.4 (MANE Select); the canonical splice acceptor site of the intron before coding-DNA position 439, G replaced by A.
Molecular consequence: splice acceptor variant.
Genome position (GRCh38, 1-based): chr1:231,262,722, G>A. VCF-style: chr1-231262722-G-A. GRCh37 (hg19) VCF-style: chr1-231398468-G-A.
Other names: c.256-1G>A (NM_001316350.2).
Identifiers: ClinVar variation 2862082 (VCV002862082.3), dbSNP rs2527016878, ClinGen allele CA345231803.
Genomic context (GRCh38, chr1:231,262,722, plus strand): 5'-TGAGATGTGATTTGATAACATGACAACTGAAATTATTCAAAATGTAACATTTACTTTCAA[G>A]CTACAAAGAGCCATCCAGGAGCATCCTGTTGTTCTGCTGCCTAGTCATCGAAGTTACATT-3'

ClinVar aggregate classification (germline): Likely pathogenic (1 of 4 stars; one submission).

Submission:

Labcorp Genetics (formerly Invitae), Labcorp
Classification: Likely pathogenic. Last evaluated: 2023-05-05. Review status: criteria provided, single submitter. Criteria: Invitae Variant Classification Sherloc (09022015). Collection method: clinical testing. Allele origin: germline.
Comment: Algorithms developed to predict the effect of sequence changes on RNA splicing suggest that this variant may disrupt the consensus splice site. In summary, the currently available evidence indicates that the variant is pathogenic, but additional data are needed to prove that conclusively. Therefore, this variant has been classified as Likely Pathogenic. This variant has not been reported in the literature in individuals affected with GNPAT-related conditions. This sequence change affects an acceptor splice site in intron 3 of the GNPAT gene. It is expected to disrupt RNA splicing. Variants that disrupt the donor or acceptor splice site typically lead to a loss of protein function (PMID: 16199547), and loss-of-function variants in GNPAT are known to be pathogenic (PMID: 9536089, 21990100). This variant is not present in population databases (gnomAD no frequency).

Literature cited by the submitters: PubMed 16199547; PubMed 9536089; PubMed 21990100.